The following is an entry in ClinVar:

ClinVar aggregate classification (germline): Uncertain significance. Review status: criteria provided, multiple submitters, no conflicts (2 of 4 stars). 2 submissions from 2 submitters: Uncertain significance (2). Last evaluated 2025-07-15.

Allele frequency attached by ClinVar (database versions not stated): gnomAD exomes 0.00002; TOPMed 0.00002; gnomAD 0.00003; ExAC 0.00007; ESP Exome Variant Server 0.00008.
gnomAD v4.1: 35 of 1,613,008 alleles (0.0022%); highest among the groups gnomAD compares: South Asian, 0.0055%; no homozygotes.

Submissions (2):

Ambry Genetics
Classification: Uncertain significance. Last evaluated: 2025-07-15. Review status: criteria provided, single submitter. Criteria: Ambry Variant Classification Scheme 2023. Collection method: clinical testing. Allele origin: germline.

Labcorp Genetics (formerly Invitae), Labcorp
Classification: Uncertain significance. Last evaluated: 2024-10-30. Review status: criteria provided, single submitter. Criteria: Invitae Variant Classification Sherloc (09022015). Collection method: clinical testing. Allele origin: germline.
Comment: This sequence change replaces arginine, which is basic and polar, with tryptophan, which is neutral and slightly polar, at codon 268 of the NDUFAF1 protein (p.Arg268Trp). This variant is present in population databases (rs369357784, gnomAD 0.01%). This variant has not been reported in the literature in individuals affected with NDUFAF1-related conditions. ClinVar contains an entry for this variant (Variation ID: 2175103). Invitae Evidence Modeling of protein sequence and biophysical properties (such as structural, functional, and spatial information, amino acid conservation, physicochemical variation, residue mobility, and thermodynamic stability) indicates that this missense variant is not expected to disrupt NDUFAF1 protein function with a negative predictive value of 80%. In summary, the available evidence is currently insufficient to determine the role of this variant in disease. Therefore, it has been classified as a Variant of Uncertain Significance.

NM_016013.4(NDUFAF1):c.802C>T (p.Arg268Trp)

Gene: NDUFAF1 (NADH:ubiquinone oxidoreductase complex assembly factor 1; minus strand). Cytogenetic location: 15q15.1.
Variant type: single nucleotide variant.
Coding change: c.802C>T on transcript NM_016013.4 (MANE Select); coding-DNA position 802, C replaced by T.
Protein change: p.Arg268Trp; replaces arginine 268 with tryptophan.
Molecular consequence: missense variant. On other transcripts: non-coding transcript variant (1).
Genome position (GRCh38, 1-based): chr15:41,388,480, G>A on the plus strand (C>T on the coding strand, the complement: NDUFAF1 is on the minus strand). VCF-style: chr15-41388480-G-A. GRCh37 (hg19) VCF-style: chr15-41680678-G-A.
Other names: c.802C>T (NM_016013.2); short protein forms R268W.
Identifiers: ClinVar variation 2175103 (VCV002175103.5), dbSNP rs369357784, ClinGen allele CA7491235.